The following is an entry in ClinVar:

ClinVar aggregate classification (germline): Uncertain significance. Review status: criteria provided, multiple submitters, no conflicts (2 of 4 stars). 2 submissions from 2 submitters: Uncertain significance (2). Last evaluated 2026-04-15.

Conditions:
Hereditary cancer-predisposing syndrome. Also called: Neoplastic Syndromes, Hereditary; Tumor predisposition; Hereditary Cancer Syndrome; Hereditary neoplastic syndrome. Identifiers: Orphanet 140162, MedGen C0027672, MeSH D009386, MONDO:0015356.
Rhabdoid tumor predisposition syndrome 2 (RTPS2). Identifiers: Orphanet 231108, Orphanet 69077, MedGen C2750074, MONDO:0013224, OMIM 613325.

Submissions (2):

Ambry Genetics
Classification: Uncertain significance for Hereditary cancer-predisposing syndrome. Last evaluated: 2026-04-15. Review status: criteria provided, single submitter. Criteria: Ambry Variant Classification Scheme 2023. Collection method: clinical testing. Allele origin: germline.
Comment: The c.3873+3G>T intronic variant results from a G to T substitution 3 nucleotides after coding exon 26 in the SMARCA4 gene. This nucleotide position is highly conserved in available vertebrate species. In silico splice site analysis predicts that this alteration will not have any significant effect on splicing. Based on the available evidence, the clinical significance of this variant remains unclear.

Labcorp Genetics (formerly Invitae), Labcorp
Classification: Uncertain significance for Rhabdoid tumor predisposition syndrome 2. Last evaluated: 2022-01-26. Review status: criteria provided, single submitter. Criteria: Invitae Variant Classification Sherloc (09022015). Collection method: clinical testing. Allele origin: germline.
Comment: This sequence change falls in intron 27 of the SMARCA4 gene. It does not directly change the encoded amino acid sequence of the SMARCA4 protein. It affects a nucleotide within the consensus splice site. This variant is not present in population databases (gnomAD no frequency). This variant has not been reported in the literature in individuals affected with SMARCA4-related conditions. Variants that disrupt the consensus splice site are a relatively common cause of aberrant splicing (PMID: 17576681, 9536098). Algorithms developed to predict the effect of sequence changes on RNA splicing suggest that this variant may disrupt the consensus splice site. In summary, the available evidence is currently insufficient to determine the role of this variant in disease. Therefore, it has been classified as a Variant of Uncertain Significance.

Literature cited by the submitters: PubMed 17576681 (cited by Labcorp Genetics (formerly Invitae), Labcorp); PubMed 9536098 (cited by Labcorp Genetics (formerly Invitae), Labcorp).

NM_003072.5(SMARCA4):c.3873+3G>T

Gene: SMARCA4 (SWI/SNF related BAF chromatin remodeling complex subunit ATPase 4; plus strand). Cytogenetic location: 19p13.2.
Variant type: single nucleotide variant.
Coding change: c.3873+3G>T on transcript NM_003072.5 (MANE Select); 3 bases into the intron after coding-DNA position 3873, G replaced by T.
Molecular consequence: intron variant.
Genome position (GRCh38, 1-based): chr19:11,033,868, G>T. VCF-style: chr19-11033868-G-T. GRCh37 (hg19) VCF-style: chr19-11144544-G-T.
Other names: c.3873+3G>T (NM_001128849.1, NM_001128844.3, NM_001128849.3 and 1 more transcripts); c.3775-255G>T (NM_001128847.4, NM_001374457.1, NM_001128845.2 and 2 more transcripts).
Identifiers: ClinVar variation 2051604 (VCV002051604.5), dbSNP rs2146668716, ClinGen allele CA2580096332.
Genomic context (GRCh38, chr19:11,033,868, plus strand): 5'-CCACACTGCCCCTCCGCCAGCGGGCGTCAACCCCGACTTGGAGGAGCCACCTCTAAAGGT[G>T]AGAGGGGTAGTTCAGTCTCCATGCCCATTCAATCCTCGGCTTCTCGGCTGAGACGGCCAG-3'